The following is an entry in ClinVar:

ClinVar aggregate classification (germline): Uncertain significance. Review status: criteria provided, multiple submitters, no conflicts (2 of 4 stars). 2 submissions from 2 submitters: Uncertain significance (2). Last evaluated 2024-05-02.

Conditions:
Inborn genetic diseases. Identifiers: MedGen C0950123, MeSH D030342.
Cowden syndrome (CS). Also called: Cowden's disease; Cowden's syndrome; Cowden disease. Identifiers: Orphanet 201, MedGen C0018553, MONDO:0016063. Disease mechanism: gain of function.

Allele frequency attached by ClinVar (database versions not stated): gnomAD exomes below 0.00001.
gnomAD v4.1: 2 of 1,607,924 alleles (0.00012%); highest among the groups gnomAD compares: Non-Finnish European, 0.00017%; no homozygotes.

Submissions (2):

Ambry Genetics
Classification: Uncertain significance for Inborn genetic diseases. Last evaluated: 2024-05-02. Review status: criteria provided, single submitter. Criteria: Ambry Variant Classification Scheme 2023. Collection method: clinical testing. Allele origin: germline.
Comment: The p.G411A variant (also known as c.1232G>C), located in coding exon 6 of the PIK3CA gene, results from a G to C substitution at nucleotide position 1232. The glycine at codon 411 is replaced by alanine, an amino acid with similar properties. This amino acid position is conserved. In addition, this alteration is predicted to be deleterious by in silico analysis. Based on the available evidence, the clinical significance of this variant remains unclear.

Labcorp Genetics (formerly Invitae), Labcorp
Classification: Uncertain significance for Cowden syndrome. Last evaluated: 2022-03-19. Review status: criteria provided, single submitter. Criteria: Invitae Variant Classification Sherloc (09022015). Collection method: clinical testing. Allele origin: germline.
Comment: In summary, the available evidence is currently insufficient to determine the role of this variant in disease. Therefore, it has been classified as a Variant of Uncertain Significance. Algorithms developed to predict the effect of missense changes on protein structure and function are either unavailable or do not agree on the potential impact of this missense change (SIFT: "Deleterious"; PolyPhen-2: "Benign"; Align-GVGD: "Class C0"). This variant has not been reported in the literature in individuals affected with PIK3CA-related conditions. This variant is not present in population databases (gnomAD no frequency). This sequence change replaces glycine, which is neutral and non-polar, with alanine, which is neutral and non-polar, at codon 411 of the PIK3CA protein (p.Gly411Ala).

NM_006218.4(PIK3CA):c.1232G>C (p.Gly411Ala)

Gene: PIK3CA (phosphatidylinositol-4,5-bisphosphate 3-kinase catalytic subunit alpha; plus strand). Cytogenetic location: 3q26.32.
Variant type: single nucleotide variant.
Coding change: c.1232G>C on transcript NM_006218.4 (MANE Select); coding-DNA position 1232, G replaced by C.
Protein change: p.Gly411Ala; replaces glycine 411 with alanine.
Molecular consequence: missense variant.
Genome position (GRCh38, 1-based): chr3:179,209,681, G>C. VCF-style: chr3-179209681-G-C. GRCh37 (hg19) VCF-style: chr3-178927469-G-C.
Other names: short protein forms G411A.
Identifiers: ClinVar variation 1984625 (VCV001984625.5), dbSNP rs1263777602, ClinGen allele CA355261482.
Genomic context (GRCh38, chr3:179,209,681, plus strand): 5'-TATACATTCCTGATCTTCCTCGTGCTGCTCGACTTTGCCTTTCCATTTGCTCTGTTAAAG[G>C]CCGAAAGGGTGCTAAAGAGGTAAAGTATTTCAGAAGGAACAATTATGTTTACCTTTAAAA-3'
Protein context (NP_006209.2, residues 401-421): RLCLSICSVK[Gly411Ala]RKGAKEEHCP